The following is an entry in ClinVar:

NM_000257.4(MYH7):c.4259G>A (p.Arg1420Gln)

Gene: MYH7 (myosin heavy chain 7; minus strand). Cytogenetic location: 14q11.2.
Variant type: single nucleotide variant.
Coding change: c.4259G>A on transcript NM_000257.4 (MANE Select); coding-DNA position 4259, G replaced by A.
Protein change: p.Arg1420Gln; replaces arginine 1420 with glutamine.
Molecular consequence: missense variant.
Genome position (GRCh38, 1-based): chr14:23,417,597, C>T on the plus strand (G>A on the coding strand, the complement: MYH7 is on the minus strand). VCF-style: chr14-23417597-C-T. GRCh37 (hg19) VCF-style: chr14-23886806-C-T.
Other names: short protein forms R1420Q.
Identifiers: ClinVar variation 43004 (VCV000043004.44), dbSNP rs397516207, ClinGen allele CA014728.

ClinVar aggregate classification (germline): Pathogenic/Likely pathogenic. Review status: criteria provided, multiple submitters, no conflicts (2 of 4 stars). 11 submissions from 11 submitters: Pathogenic (2); Likely pathogenic (9). Last evaluated 2026-03-23.

Conditions:
Cardiovascular phenotype. Identifiers: MedGen CN230736.
Hypertrophic cardiomyopathy 1 (CMH1). Also called: Familial hypertrophic cardiomyopathy 1; MYH7-Related Familial Hypertrophic Cardiomyopathy. Identifiers: MedGen C3495498, MONDO:0008647, OMIM 192600.
Cardiomyopathy (CMYO). Also called: Cardiomyopathies. Identifiers: Orphanet 167848, MedGen C0878544, MONDO:0004994, HP:0001638. Inheritance: Various modes of inheritance.
Primary familial hypertrophic cardiomyopathy (HCM). Identifiers: Orphanet 99739, MedGen C0949658, MeSH D024741, MONDO:0024573. Inheritance: Various modes of inheritance.
Hypertrophic cardiomyopathy. Also called: HYPERTROPHIC MYOCARDIOPATHY. Identifiers: Orphanet 217569, MedGen C0007194, MeSH D002312, MONDO:0005045, HP:0001639.

Allele frequency attached by ClinVar (database versions not stated): gnomAD exomes 0.00001.
gnomAD v4.1: 10 of 1,612,722 alleles (0.00062%); highest among the groups gnomAD compares: East Asian, 0.0022%; no homozygotes.

Submissions 1 to 8 of 11:

Dasa
Classification: Likely pathogenic for hypertrophic cardiomyopathy. Last evaluated: 2026-03-23. Review status: criteria provided, single submitter. Criteria: DASA Assertion Criteria. Collection method: clinical testing. Allele origin: germline.
Comment: NM_000257.4(MYH7):c.4259G>A (p.Arg1420Gln) is a missense variant that results in the substitution of arginine with glutamine. The affected residue or protein region has prior evidence supporting clinical relevance. This variant has been recurrently observed in individuals with MYH7-related disorders (PMID: 40055852; PMID: 39843441; PMID: 39033325; PMID: 37431535; PMID: 37463608). Also, this variant is rare in population databases. Computational evidence supports a deleterious effect. Based on the currently available evidence, this variant is classified as likely pathogenic.

GeneDx
Classification: Likely pathogenic. Last evaluated: 2026-01-13. Review status: criteria provided, single submitter. Criteria: GeneDx Variant Classification Process June 2021. Collection method: clinical testing. Allele origin: germline. Affected: yes.
Comment: Identified in patients with HCM or sudden death referred for genetic testing at GeneDx and in published literature (PMID: 27247418, 25351510, 27532257, 21817903, 25132132, 26914223, 28449774, 29764897, 30847666, 32830170, 34542152, 37652022, 33495597, 32481709); Not observed at significant frequency in large population cohorts (gnomAD); In silico analysis supports that this missense variant has a deleterious effect on protein structure/function; This variant is associated with the following publications: (PMID: 21817903, 25351510, 27532257, 28449774, 26914223, 29764897, 30847666, 34542152, 33487615, 32830170, 15358028, 25132132, 27247418, 30696458, 37652022, 30731207, 33495597, 32481709, 38057384, 39486665, 41357762, 39033325, 33241513, 25611685, 41516100)

Ambry Genetics
Classification: Likely pathogenic for Cardiovascular phenotype. Last evaluated: 2025-12-22. Review status: criteria provided, single submitter. Criteria: Ambry Variant Classification Scheme 2023. Collection method: clinical testing. Allele origin: germline.
Comment: The p.R1420Q variant (also known as c.4259G>A), located in coding exon 29 of the MYH7 gene, results from a G to A substitution at nucleotide position 4259. The arginine at codon 1420 is replaced by glutamine, an amino acid with highly similar properties. This alteration has been reported in individual(s) with features consistent with hypertrophic cardiomyopathy (Van Driest SL et al. J Am Coll Cardiol, 2004 Aug;44:602-10; Bortot B et al. Diagn Mol Pathol, 2011 Sep;20:175-9; Wang J et al. Eur J Heart Fail, 2014 Sep;16:950-7; Lopes LR et al. Heart, 2015 Feb;101:294-301; Homburger JR et al. Proc Natl Acad Sci U S A, 2016 06;113:6701-6; Walsh R et al. Genet Med, 2017 02;19:192-203; Sheikh N et al. Circulation, 2018 09;138:1184-1194; Nakashima Y et al. Circ J, 2020 09;84:1846-1853). This amino acid position is highly conserved in available vertebrate species. In addition, this alteration is predicted to be deleterious by in silico analysis. This variant is considered to be rare based on population cohorts in the Genome Aggregation Database (gnomAD). Based on the majority of available evidence to date, this variant is likely to be pathogenic.

Labcorp Genetics (formerly Invitae), Labcorp
Classification: Pathogenic for Hypertrophic cardiomyopathy. Last evaluated: 2025-09-14. Review status: criteria provided, single submitter. Criteria: Invitae Variant Classification Sherloc (09022015). Collection method: clinical testing. Allele origin: germline.
Comment: This sequence change replaces arginine, which is basic and polar, with glutamine, which is neutral and polar, at codon 1420 of the MYH7 protein (p.Arg1420Gln). This variant is not present in population databases (gnomAD no frequency). This missense change has been observed in individuals with sudden cardiac death and hypertrophic cardiomyopathy (PMID: 21817903, 25351510, 26914223, 27247418, 27532257, 28449774; internal data). ClinVar contains an entry for this variant (Variation ID: 43004). Invitae Evidence Modeling of protein sequence and biophysical properties (such as structural, functional, and spatial information, amino acid conservation, physicochemical variation, residue mobility, and thermodynamic stability) indicates that this missense variant is expected to disrupt MYH7 protein function with a positive predictive value of 95%. This variant disrupts the p.Arg1420 amino acid residue in MYH7. Other variant(s) that disrupt this residue have been determined to be pathogenic (PMID: 15358028, 20624503, 23283745, 27532257). This suggests that this residue is clinically significant, and that variants that disrupt this residue are likely to be disease-causing. For these reasons, this variant has been classified as Pathogenic.

Color Diagnostics, LLC DBA Color Health
Classification: Likely pathogenic for Cardiomyopathy. Last evaluated: 2025-09-02. Review status: criteria provided, single submitter. Criteria: ACMG Guidelines, 2015. Collection method: clinical testing. Allele origin: germline.
Comment: This missense variant replaces arginine with glutamine at codon 1420 in the LMM domain of the MYH7 protein. Computational prediction suggests that this variant may have a deleterious impact on protein structure and function. To our knowledge, functional studies have not been reported for this variant. This variant has been reported in more than 10 individuals affected with hypertrophic cardiomyopathy (PMID: 21817903, 25132132, 25351510, 26914223, 27532257, 27247418, 29764897, 32481709, 33487615, 33495597, 34542152) and in an individual affected with sudden arrhythmic death syndrome (PMID: 28449774). A different variant affecting the same codon, p.Arg1420Trp, is considered to be disease-causing (ClinVar variation ID: 43003), indicating the functional and clinical significance of this position. This variant has not been identified in the general population by the Genome Aggregation Database (gnomAD). Based on the available evidence, this variant is classified as Likely Pathogenic.

3billion
Classification: Likely pathogenic for Hypertrophic cardiomyopathy 1. Last evaluated: 2025-03-04. Review status: criteria provided, single submitter. Criteria: ACMG Guidelines, 2015. Collection method: clinical testing. Allele origin: germline. Affected: yes.
Comment: The variant is observed at an extremely low frequency in the gnomAD v4.1.0 dataset (total allele frequency: <0.001%). Predicted Consequence/Location: Missense variant In silico tool predictions suggest damaging effect of the variant on gene or gene product [REVEL: 0.86 (>=0.6, sensitivity 0.68 and specificity 0.92); 3Cnet: 0.98 (> 0.75, sensitivity 0.96 and precision 0.92)]. The same nucleotide change resulting in the same amino acid change has been previously reported as pathogenic/likely pathogenic with strong evidence (ClinVar ID: VCV000043004 /PMID: 21817903 /3billion dataset). A different missense change at the same codon (p.Arg1420Trp) has been reported as pathogenic/likely pathogenic with strong evidence (ClinVar ID: VCV000043003 /PMID: 15358028). Therefore, this variant is classified as Likely pathogenic according to the recommendation of ACMG/AMP guideline.

All of Us Research Program, National Institutes of Health
Classification: Likely pathogenic for Hypertrophic cardiomyopathy. Last evaluated: 2024-09-03. Review status: criteria provided, single submitter. Criteria: ACMG Guidelines, 2015. Collection method: clinical testing. Allele origin: germline. Inheritance: Autosomal dominant inheritance. Observed: 2 variant alleles, 2 heterozygotes.
Comment: The c.4259G>A (p.Arg1420Gln) variant in the MYH7 gene has been identified in multiple unrelated individuals affected with the consistent phenotype of hypertrophic cardiomyopathy (HCM) (PMID:21817903, 25132132, 26914223, 27532257, 27247418, 32481709, 33487615, 25351510, 30847666, 25611685, 32830170, 33241513). This variant has also been observed in an individual affected with sudden arrhythmic death syndrome (PMID: 28449774). In-silico computational prediction tools suggest that the p.Arg1420Gln variant may have deleterious effect on the protein function (REVEL score: 0.856). This variant is found to be rare (10/1612722; 0.000006201) in the general population database, gnomAD (v4.1.0) and interpreted as likely pathogenic/pathogenic by several submitters in the ClinVar database (ClinVar ID: 43004). Another missense variant affecting the same amino acid residue (p.Arg1420Trp) have been observed in individuals with hypertrophic cardiomyopathy and classified as likely pathogenic by several ClinVar submitters including the ClinGen cardiomyopathy variant curation expert panel (ClinVar ID: 43003). Therefore, the c.4259G>A (p.Arg1420Gln) variant in the MYH7 gene is classified as likely pathogenic

This study involves interpretation of variants in research participants for the purpose of population health screening. Participant phenotype was not available at the time of variant classification. Additional details can be found in publication PMID: 35346344, PMCID: PMC8962531

Revvity Omics, Revvity
Classification: Likely pathogenic. Last evaluated: 2023-06-27. Review status: criteria provided, single submitter. Criteria: ACMG Guidelines, 2015. Collection method: clinical testing. Allele origin: germline.